The following is an entry in ClinVar:

ClinVar aggregate classification (germline): Conflicting classifications of pathogenicity. Review status: criteria provided, conflicting classifications (1 of 4 stars). 2 submissions from 2 submitters: Uncertain significance (1); Likely benign (1). Last evaluated 2025-04-29.

Conditions:
Hereditary cancer-predisposing syndrome. Also called: Neoplastic Syndromes, Hereditary; Hereditary Cancer Syndrome; Hereditary neoplastic syndrome; Tumor predisposition. Identifiers: Orphanet 140162, MedGen C0027672, MeSH D009386, MONDO:0015356.
Tumor predisposition syndrome 3 (TPDS3). Also called: Melanoma, cutaneous malignant, susceptibility to, 10; Glioma susceptibility 9; LONG TELOMERE SYNDROME, POT1-RELATED; POT1 Tumor Predisposition. Identifiers: Orphanet 618, MedGen C4014476, MONDO:0014368, OMIM 615848.

Submissions (2):

Labcorp Genetics (formerly Invitae), Labcorp
Classification: Uncertain significance for Tumor predisposition syndrome 3. Last evaluated: 2025-04-29. Review status: criteria provided, single submitter. Criteria: Invitae Variant Classification Sherloc (09022015). Collection method: clinical testing. Allele origin: germline.
Comment: This sequence change replaces glycine, which is neutral and non-polar, with aspartic acid, which is acidic and polar, at codon 479 of the POT1 protein (p.Gly479Asp). This variant is not present in population databases (gnomAD no frequency). This variant has not been reported in the literature in individuals affected with POT1-related conditions. ClinVar contains an entry for this variant (Variation ID: 3308981). Invitae Evidence Modeling of protein sequence and biophysical properties (such as structural, functional, and spatial information, amino acid conservation, physicochemical variation, residue mobility, and thermodynamic stability) indicates that this missense variant is not expected to disrupt POT1 protein function with a negative predictive value of 80%. In summary, the available evidence is currently insufficient to determine the role of this variant in disease. Therefore, it has been classified as a Variant of Uncertain Significance.

Ambry Genetics
Classification: Likely benign for Hereditary cancer-predisposing syndrome. Last evaluated: 2024-06-21. Review status: criteria provided, single submitter. Criteria: Ambry Variant Classification Scheme 2023. Collection method: clinical testing. Allele origin: germline.

NM_015450.3(POT1):c.1436G>A (p.Gly479Asp)

Gene: POT1 (protection of telomeres 1; minus strand). Cytogenetic location: 7q31.33.
Variant type: single nucleotide variant.
Coding change: c.1436G>A on transcript NM_015450.3 (MANE Select); coding-DNA position 1436, G replaced by A.
Protein change: p.Gly479Asp; replaces glycine 479 with aspartic acid.
Molecular consequence: missense variant. On other transcripts: non-coding transcript variant (3).
Genome position (GRCh38, 1-based): chr7:124,835,348, C>T on the plus strand (G>A on the coding strand, the complement: POT1 is on the minus strand). VCF-style: chr7-124835348-C-T. GRCh37 (hg19) VCF-style: chr7-124475402-C-T.
Other names: c.1043G>A, p.Gly348Asp (NM_001042594.2); short protein forms G479D, G348D.
Identifiers: ClinVar variation 3308981 (VCV003308981.3).
Genomic context (GRCh38, chr7:124,835,348, plus strand): 5'-TGTATTGTTCCTTGTATAAGAAATGGTGCTGAAAGGTCCAAAAGTTCCAGGTCTTCGTGG[C>T]CAGATCTCACAGGAATTACACTATTAAACTTGTTCGAGAGTTTGCAAATTTCACTGAGTG-3'
Protein context (NP_056265.2, residues 469-489): KFNSVIPVRS[Gly479Asp]HEDLELLDLS